The following is an entry in ClinVar:

ClinVar aggregate classification (germline): Uncertain significance (1 of 4 stars; one submission).

Conditions:
Ataxia-telangiectasia syndrome (AT). Also called: Cerebello-oculocutaneous telangiectasia; Immunodeficiency with ataxia telangiectasia; Ataxia-telangiectasia, complementation group E; Ataxia-telangiectasia, complementation group D; AT, COMPLEMENTATION GROUP C; ATAXIA-TELANGIECTASIA, COMPLEMENTATION GROUP A. Identifiers: Orphanet 100, MedGen C0004135, MONDO:0008840, OMIM 208900.

Submission:

Labcorp Genetics (formerly Invitae), Labcorp
Classification: Uncertain significance for Ataxia-telangiectasia syndrome. Last evaluated: 2017-09-05. Review status: criteria provided, single submitter. Criteria: Invitae Variant Classification Sherloc (09022015). Collection method: clinical testing. Allele origin: germline.
Comment: In summary, the available evidence is currently insufficient to determine the role of this variant in disease. Therefore, it has been classified as a Variant of Uncertain Significance. Algorithms developed to predict the effect of missense changes on protein structure and function (SIFT, PolyPhen-2, Align-GVGD) all suggest that this variant is likely to be tolerated, but these predictions have not been confirmed by published functional studies and their clinical significance is uncertain. This variant has not been reported in the literature in individuals with ATM-related disease. This variant is not present in population databases (ExAC no frequency). This sequence change replaces alanine with serine at codon 1949 of the ATM protein (p.Ala1949Ser). The alanine residue is moderately conserved and there is a moderate physicochemical difference between alanine and serine.

NM_000051.4(ATM):c.5845G>T (p.Ala1949Ser)

Genes: ATM (ATM serine/threonine kinase; plus strand), C11orf65 (chromosome 11 open reading frame 65; minus strand). Cytogenetic location: 11q22.3.
Variant type: single nucleotide variant.
Coding change: c.5845G>T on transcript NM_000051.4 (MANE Select); coding-DNA position 5845, G replaced by T.
Protein change: p.Ala1949Ser; replaces alanine 1949 with serine.
Molecular consequence: missense variant. On other transcripts: intron variant (2).
Genome position (GRCh38, 1-based): chr11:108,310,242, G>T. VCF-style: chr11-108310242-G-T. GRCh37 (hg19) VCF-style: chr11-108180969-G-T.
Other names: c.5845G>T, p.Ala1949Ser (NM_001351834.2); c.641-1171C>A (NM_001330368.2); c.*39-1171C>A (NM_001351110.2); short protein forms A1949S.
Identifiers: ClinVar variation 524369 (VCV000524369.9), dbSNP rs1555110401, ClinGen allele CA382548450.